The following is an entry in ClinVar:

ClinVar aggregate classification (germline): Benign/Likely benign. Review status: criteria provided, multiple submitters, no conflicts (2 of 4 stars). 5 submissions from 5 submitters: Benign (4); Likely benign (1). Last evaluated 2026-02-01.

Conditions:
Microcephalic primordial dwarfism due to RTTN deficiency (MSSP). Also called: MICROCEPHALY, SHORT STATURE, AND POLYMICROGYRIA; Microcephaly, short stature, and polymicrogyria with or without seizures. Identifiers: Orphanet 468631, MedGen C3553831, MONDO:0018764, OMIM 614833.

Allele frequency attached by ClinVar (database versions not stated): 1000 Genomes Project 30x 0.00609; TOPMed 0.00731; ESP Exome Variant Server 0.00774; 1000 Genomes Project 0.00539; ExAC 0.01110.
gnomAD v4.1: 16,870 of 1,600,708 alleles (1.1%); highest among the groups gnomAD compares: Middle Eastern, 2.2%; 133 homozygotes.

Submissions (5):

Labcorp Genetics (formerly Invitae), Labcorp
Classification: Benign. Last evaluated: 2026-02-01. Review status: criteria provided, single submitter. Criteria: Invitae Variant Classification Sherloc (09022015). Collection method: clinical testing. Allele origin: germline.

CeGaT Center for Human Genetics Tuebingen
Classification: Benign. Last evaluated: 2024-06-01. Review status: criteria provided, single submitter. Criteria: CeGaT Center For Human Genetics Tuebingen Variant Classification Criteria Version 2. Collection method: clinical testing. Allele origin: germline. Affected: yes. Observed: 26 variant alleles.
Comment: RTTN: BP4, BP7, BS1, BS2

Fulgent Genetics
Classification: Likely benign for Microcephalic primordial dwarfism due to RTTN deficiency. Last evaluated: 2022-02-24. Review status: criteria provided, single submitter. Criteria: ACMG Guidelines, 2015. Collection method: clinical testing. Allele origin: unknown.

GeneDx
Classification: Benign. Last evaluated: 2017-07-03. Review status: criteria provided, single submitter. Criteria: GeneDx Variant Classification (06012015). Collection method: clinical testing. Allele origin: germline. Affected: yes.
Comment: This variant is considered likely benign or benign based on one or more of the following criteria: it is a conservative change, it occurs at a poorly conserved position in the protein, it is predicted to be benign by multiple in silico algorithms, and/or has population frequency not consistent with disease.

Breakthrough Genomics
Classification: Benign. Review status: criteria provided, single submitter. Criteria: ACMG Guidelines, 2015. Collection method: not provided. Allele origin: germline. Inheritance: Autosomal recessive inheritance. Affected: yes.

NM_173630.4(RTTN):c.5319G>C (p.Ala1773=)

Gene: RTTN (rotatin; minus strand). Cytogenetic location: 18q22.2.
Variant type: single nucleotide variant.
Coding change: c.5319G>C on transcript NM_173630.4 (MANE Select); coding-DNA position 5319, G replaced by C.
Protein change: p.Ala1773=; no amino-acid change (alanine 1773 retained).
Molecular consequence: synonymous variant.
Genome position (GRCh38, 1-based): chr18:70,051,415, C>G on the plus strand (G>C on the coding strand, the complement: RTTN is on the minus strand). VCF-style: chr18-70051415-C-G. GRCh37 (hg19) VCF-style: chr18-67718651-C-G.
Other names: c.2583G>C, p.Ala861= (NM_001318520.2).
Identifiers: ClinVar variation 516678 (VCV000516678.38), dbSNP rs35439940, ClinGen allele CA8994981.
Genomic context (GRCh38, chr18:70,051,415, plus strand): 5'-TCATTATCTCGTTTTATTAGCAGAAAGCCCCCAAGATTATGCAAGTATCTTCTTACCAAT[C>G]GCCGCTGTCCAGTGCTTGGCCAGGGCCACGGTAACAAACGGGAGTGTGATGGCACCAGCT-3'
Protein context (NP_775901.3, residues 1763-1783): TVALAKHWTA[Ala1773=]IDMFCTCAGL